The following is an entry in ClinVar:

NM_000019.4(ACAT1):c.209T>C (p.Ile70Thr)

Gene: ACAT1 (acetyl-CoA acetyltransferase 1; plus strand). Cytogenetic location: 11q22.3.
Variant type: single nucleotide variant.
Coding change: c.209T>C on transcript NM_000019.4 (MANE Select); coding-DNA position 209, T replaced by C.
Protein change: p.Ile70Thr; replaces isoleucine 70 with threonine.
Molecular consequence: missense variant. On other transcripts: 5 prime UTR variant (10), non-coding transcript variant (2), intron variant (1).
Genome position (GRCh38, 1-based): chr11:108,133,908, T>C. VCF-style: chr11-108133908-T-C. GRCh37 (hg19) VCF-style: chr11-108004635-T-C.
Other names: c.209T>C, p.Ile70Thr (NM_001386677.1); c.-69T>C (NM_001386679.1); c.-62T>C (NM_001386681.1, NM_001386682.1, NM_001386685.1 and 6 more transcripts); c.120+1954T>C (NM_001386678.1); short protein forms I70T.
Identifiers: ClinVar variation 2146638 (VCV002146638.1), dbSNP rs2077410820, ClinGen allele CA382506384.

ClinVar aggregate classification (germline): Uncertain significance (1 of 4 stars; one submission).

Conditions:
Deficiency of acetyl-CoA acetyltransferase. Also called: Beta-ketothiolase deficiency; 3-KETOTHIOLASE DEFICIENCY; 3-OXOTHIOLASE DEFICIENCY; MITOCHONDRIAL ACETOACETYL-CoA THIOLASE DEFICIENCY. Identifiers: Orphanet 134, MedGen C1536500, MONDO:0008760, OMIM 203750. Disease mechanism: loss of function.

Allele frequency attached by ClinVar (database versions not stated): gnomAD 0.00001; gnomAD exomes 0.00001.

Submission:

Labcorp Genetics (formerly Invitae), Labcorp
Classification: Uncertain significance for Deficiency of acetyl-CoA acetyltransferase. Last evaluated: 2022-05-27. Review status: criteria provided, single submitter. Criteria: Invitae Variant Classification Sherloc (09022015). Collection method: clinical testing. Allele origin: germline.
Comment: This sequence change replaces isoleucine, which is neutral and non-polar, with threonine, which is neutral and polar, at codon 70 of the ACAT1 protein (p.Ile70Thr). This variant is not present in population databases (gnomAD no frequency). This variant has not been reported in the literature in individuals affected with ACAT1-related conditions. Advanced modeling of protein sequence and biophysical properties (such as structural, functional, and spatial information, amino acid conservation, physicochemical variation, residue mobility, and thermodynamic stability) performed at Invitae indicates that this missense variant is not expected to disrupt ACAT1 protein function. In summary, the available evidence is currently insufficient to determine the role of this variant in disease. Therefore, it has been classified as a Variant of Uncertain Significance.